The following is an entry in ClinVar:

NM_000384.3(APOB):c.4809G>C (p.Gln1603His)

Gene: APOB (apolipoprotein B; minus strand). Cytogenetic location: 2p24.1.
Variant type: single nucleotide variant.
Coding change: c.4809G>C on transcript NM_000384.3 (MANE Select); coding-DNA position 4809, G replaced by C.
Protein change: p.Gln1603His; replaces glutamine 1603 with histidine.
Molecular consequence: missense variant.
Genome position (GRCh38, 1-based): chr2:21,012,059, C>G on the plus strand (G>C on the coding strand, the complement: APOB is on the minus strand). VCF-style: chr2-21012059-C-G. GRCh37 (hg19) VCF-style: chr2-21234931-C-G.
Other names: short protein forms Q1603H.
Identifiers: ClinVar variation 4074318 (VCV004074318.1).

ClinVar aggregate classification (germline): Uncertain significance (1 of 4 stars; one submission).

gnomAD v4.1: 1 of 1,614,214 alleles (0.000062%); highest among the groups gnomAD compares: East Asian, 0.0022%; no homozygotes.

Submission:

GeneDx
Classification: Uncertain significance. Last evaluated: 2025-02-11. Review status: criteria provided, single submitter. Criteria: GeneDx Variant Classification Process June 2021. Collection method: clinical testing. Allele origin: germline. Affected: yes.
Comment: Has not been previously published as pathogenic or benign to our knowledge; In silico analysis supports that this missense variant has a deleterious effect on protein structure/function; Not observed at significant frequency in large population cohorts (gnomAD); Also known as Q1576H